The following is an entry in ClinVar:

ClinVar aggregate classification (germline): Likely benign (1 of 4 stars; one submission).

gnomAD v4.1: 15 of 1,614,162 alleles (0.00093%); highest among the groups gnomAD compares: Admixed American, 0.0017%; no homozygotes.

Submission:

CeGaT Center for Human Genetics Tuebingen
Classification: Likely benign. Last evaluated: 2026-08-01. Review status: criteria provided, single submitter. Criteria: CeGaT Center For Human Genetics Tuebingen Variant Classification Criteria Version 2. Collection method: clinical testing. Allele origin: germline. Affected: yes. Observed: 1 variant allele.
Comment: PHF12: BP4, BP7

NM_001033561.2(PHF12):c.591G>A (p.Ala197=)

Gene: PHF12 (PHD finger protein 12; minus strand). Cytogenetic location: 17q11.2.
Variant type: single nucleotide variant.
Coding change: c.591G>A on transcript NM_001033561.2 (MANE Select); coding-DNA position 591, G replaced by A.
Protein change: p.Ala197=; no amino-acid change (alanine 197 retained).
Molecular consequence: synonymous variant.
Genome position (GRCh38, 1-based): chr17:28,924,033, C>T on the plus strand (G>A on the coding strand, the complement: PHF12 is on the minus strand). VCF-style: chr17-28924033-C-T. GRCh37 (hg19) VCF-style: chr17-27251051-C-T.
Other names: c.591G>A, p.Ala197= (NM_001290131.2, NM_020889.3).
Identifiers: ClinVar variation 5038691 (VCV005038691.1).